The following is an entry in ClinVar:

ClinVar aggregate classification (germline): Uncertain significance (1 of 4 stars; one submission).

Submission:

Labcorp Genetics (formerly Invitae), Labcorp
Classification: Uncertain significance. Last evaluated: 2023-03-02. Review status: criteria provided, single submitter. Criteria: Invitae Variant Classification Sherloc (09022015). Collection method: clinical testing. Allele origin: unknown.
Comment: This variant is a gross deletion of the genomic region encompassing exon(s) 29-31 of the CYFIP2 gene, which includes the termination codon. This deletion extends beyond the assayed region for this gene and therefore may encompass additional genes. While this deletion is not anticipated to lead to nonsense mediated decay, it is expected to alter mRNA translation or result in a truncated protein product. This variant has not been reported in the literature in individuals affected with CYFIP2-related conditions. In summary, the available evidence is currently insufficient to determine the role of this variant in disease. Therefore, it has been classified as a Variant of Uncertain Significance.

NC_000005.9:g.(?_156816177)_(156820008_?)del

Gene: CYFIP2 (cytoplasmic FMR1 interacting protein 2; plus strand). Cytogenetic location: 5q33.3.
Variant type: Deletion.
Identifiers: ClinVar variation 3246456 (VCV003246456.1).